The following is an entry in ClinVar:

ClinVar aggregate classification (germline): Benign (3 of 4 stars; one submission).

Conditions:
Lynch syndrome. Identifiers: Orphanet 144, MedGen C4552100, MONDO:0005835. Disease mechanism: loss of function.

Allele frequency attached by ClinVar (database versions not stated): gnomAD 0.12176 and 0.12777; TOPMed 0.13250; 1000 Genomes Project 30x 0.16568; 1000 Genomes Project 0.16953.
gnomAD v4.1: 19,454 of 152,104 alleles (13%); highest among the groups gnomAD compares: East Asian, 38%; 1,705 homozygotes.

Submission:

International Society for Gastrointestinal Hereditary Tumours (InSiGHT)
Classification: Benign for Lynch Syndrome. Last evaluated: 2013-09-05. Review status: reviewed by expert panel. Criteria: Guidelines v1.9. Collection method: research. Allele origin: germline.
Comment: MAF >1%

Classified with v1.9 guidelines
ClinVar note: Converted during submission from no known pathogenicity to Benign.

NM_000179.3(MSH6):c.457+1223T>C

Gene: MSH6 (mutS homolog 6; plus strand). Cytogenetic location: 2p16.3.
Variant type: single nucleotide variant.
Coding change: c.457+1223T>C on transcript NM_000179.3 (MANE Select); 1223 bases into the intron after coding-DNA position 457, T replaced by C.
Molecular consequence: intron variant.
Genome position (GRCh38, 1-based): chr2:47,792,346, T>C. VCF-style: chr2-47792346-T-C. GRCh37 (hg19) VCF-style: chr2-48019485-T-C.
Other names: c.-280+1223T>C (NM_001281493.2); c.238-6265T>C (NM_001281492.2); c.-446+1223T>C (NM_001281494.2).
Identifiers: ClinVar variation 89521 (VCV000089521.3), dbSNP rs2348244, ClinGen allele CA015556.